The following is an entry in ClinVar:

NM_000883.4(IMPDH1):c.754G>T (p.Ala252Ser)

Gene: IMPDH1 (inosine monophosphate dehydrogenase 1; minus strand). Cytogenetic location: 7q32.1.
Variant type: single nucleotide variant.
Coding change: c.754G>T on transcript NM_000883.4 (MANE Select); coding-DNA position 754, G replaced by T.
Protein change: p.Ala252Ser; replaces alanine 252 with serine.
Molecular consequence: missense variant.
Genome position (GRCh38, 1-based): chr7:128,400,365, C>A on the plus strand (G>T on the coding strand, the complement: IMPDH1 is on the minus strand). VCF-style: chr7-128400365-C-A. GRCh37 (hg19) VCF-style: chr7-128040419-C-A.
Other names: c.724G>T, p.Ala242Ser (NM_001102605.2); c.499G>T, p.Ala167Ser (NM_001142573.2); c.484G>T, p.Ala162Ser (NM_001142574.2); c.424G>T, p.Ala142Ser (NM_001142575.2); c.655G>T, p.Ala219Ser (NM_001142576.2); c.547G>T, p.Ala183Ser (NM_001304521.2); c.646G>T, p.Ala216Ser (NM_183243.3); short protein forms A252S, A242S, A142S, A162S, A219S, A167S, A183S, A216S.
Identifiers: ClinVar variation 426445 (VCV000426445.38), dbSNP rs756851981, ClinGen allele CA4471066.
Genomic context (GRCh38, chr7:128,400,365, plus strand): 5'-AGCCCTGCTTCCCCTGCCCTGCAGGTACCTCACTGAGGAGGGTGGTGTGGTCCTTCTCAG[C>A]AAGAAAGTCGATGTCTCGGGAGGTGACGATGCCCACCAGCTTGCTGCCCATGGTGCCCGT-3'
Protein context (NP_000874.2, residues 242-262): IVTSRDIDFL[Ala252Ser]EKDHTTLLSE

ClinVar aggregate classification (germline): Conflicting classifications of pathogenicity. Review status: criteria provided, conflicting classifications (1 of 4 stars). 5 submissions from 5 submitters: Uncertain significance (2); Likely benign (3). Last evaluated 2025-12-16.

Conditions:
Inborn genetic diseases. Identifiers: MedGen C0950123, MeSH D030342.

Allele frequency attached by ClinVar (database versions not stated): gnomAD exomes 0.00009 and 0.00010; ExAC 0.00010; gnomAD 0.00013 and 0.00015; TOPMed 0.00013.
gnomAD v4.1: 161 of 1,613,360 alleles (0.01%); highest among the groups gnomAD compares: Non-Finnish European, 0.013%; no homozygotes.

Submissions (5):

Labcorp Genetics (formerly Invitae), Labcorp
Classification: Likely benign. Last evaluated: 2025-12-16. Review status: criteria provided, single submitter. Criteria: Invitae Variant Classification Sherloc (09022015). Collection method: clinical testing. Allele origin: germline.

CeGaT Center for Human Genetics Tuebingen
Classification: Likely benign. Last evaluated: 2024-02-01. Review status: criteria provided, single submitter. Criteria: CeGaT Center For Human Genetics Tuebingen Variant Classification Criteria Version 2. Collection method: clinical testing. Allele origin: germline. Affected: yes. Observed: 1 variant allele.
Comment: IMPDH1: BP4

Blueprint Genetics
Classification: Likely benign. Last evaluated: 2023-11-09. Review status: criteria provided, single submitter. Criteria: ACMG Guidelines, 2015. Collection method: clinical testing. Allele origin: germline.

Ambry Genetics
Classification: Uncertain significance for Inborn genetic diseases. Last evaluated: 2021-07-21. Review status: criteria provided, single submitter. Criteria: Ambry Variant Classification Scheme 2023. Collection method: clinical testing. Allele origin: germline.

GeneDx
Classification: Uncertain significance. Last evaluated: 2017-04-17. Review status: criteria provided, single submitter. Criteria: GeneDx Variant Classification (06012015). Collection method: clinical testing. Allele origin: germline. Affected: yes.
Comment: The A252S variant in the IMPDH1 gene has not been reported previously as a pathogenic variant, nor as a benign variant, to our knowledge. The A252S variant is observed in 3/10804 (0.03%) alleles from individuals of Latino background in large population cohorts (Lek et al., 2016; 1000 Genomes Consortium et al., 2015; Exome Variant Server). The A252S variant is a non-conservative amino acid substitution, which is likely to impact secondary protein structure as these residues differ in polarity, charge, size and/or other properties. This substitution occurs at a position that is conserved in mammals. In silico analysis is inconsistent in its predictions as to whether or not the variant is damaging to the protein structure/function. We interpret A252S as a variant of uncertain significance.